The following is an entry in ClinVar:

NM_005228.5(EGFR):c.2469+2_2469+15dup

Genes: EGFR (epidermal growth factor receptor; plus strand), EGFR-AS1 (EGFR antisense RNA 1; minus strand). Cytogenetic location: 7p11.2.
Variant type: Duplication.
Coding change: c.2469+2_2469+15dup on transcript NM_005228.5 (MANE Select); the canonical splice donor site of the intron after coding-DNA position 2469 through 15 bases into the intron after coding-DNA position 2469, 14 bases duplicated (TAATCAGGGAAGGG).
Molecular consequence: splice donor variant. On other transcripts: non-coding transcript variant (1).
Genome position (GRCh38, 1-based): chr7:55,181,480-55,181,493, TAATCAGGGAAGGG duplicated; duplicating any 14 consecutive bases within chr7:55,181,478-55,181,493 gives the same sequence; the c. name uses the placement nearest the transcript's 3' end. VCF-style (leftmost placement, unchanged base first): chr7-55181477-A-AGGTAATCAGGGAAG. GRCh37 (hg19) VCF-style: chr7-55249170-A-AGGTAATCAGGGAAG.
Other names: c.2469+2_2469+15dupTAATCAGGGAAGGG (NM_005228.3); c.2334+2_2334+15dup (NM_001346899.2, NM_001346897.2); c.1668+2_1668+15dup (NM_001346941.2); c.2469+2_2469+15dup (NM_001346898.2); c.2310+2_2310+15dup (NM_001346900.2).
Identifiers: ClinVar variation 3714968 (VCV003714968.3).

ClinVar aggregate classification (germline): Conflicting classifications of pathogenicity. Review status: criteria provided, conflicting classifications (1 of 4 stars). 2 submissions from 2 submitters: Uncertain significance (1); Likely benign (1). Last evaluated 2026-06-15.

Conditions:
EGFR-related lung cancer (EGFR). Identifiers: MedGen CN130014.
Hereditary cancer-predisposing syndrome. Also called: Tumor predisposition; Hereditary neoplastic syndrome; Hereditary Cancer Syndrome; Neoplastic Syndromes, Hereditary. Identifiers: Orphanet 140162, MedGen C0027672, MeSH D009386, MONDO:0015356.

Submissions (2):

Ambry Genetics
Classification: Likely benign for Hereditary cancer-predisposing syndrome. Last evaluated: 2026-06-15. Review status: criteria provided, single submitter. Criteria: Ambry Variant Classification Scheme 2023. Collection method: clinical testing. Allele origin: germline.

Labcorp Genetics (formerly Invitae), Labcorp
Classification: Uncertain significance for EGFR-related lung cancer. Last evaluated: 2024-07-30. Review status: criteria provided, single submitter. Criteria: Invitae Variant Classification Sherloc (09022015). Collection method: clinical testing. Allele origin: germline.
Comment: This sequence change falls in intron 20 of the EGFR gene. It does not directly change the encoded amino acid sequence of the EGFR protein. This variant is not present in population databases (gnomAD no frequency). This variant has not been reported in the literature in individuals affected with EGFR-related conditions. Experimental studies and prediction algorithms are not available or were not evaluated, and the effect of this variant on mRNA splicing is currently unknown. In summary, the available evidence is currently insufficient to determine the role of this variant in disease. Therefore, it has been classified as a Variant of Uncertain Significance.